The following is an entry in ClinVar:

ClinVar aggregate classification (germline): Conflicting classifications of pathogenicity. Review status: criteria provided, conflicting classifications (1 of 4 stars). 13 submissions from 12 submitters: Uncertain significance (1); Benign (4); Likely benign (7). 1 of the submissions does not count toward it. Last evaluated 2026-04-01.

Conditions:
DYNC1H1-related disorder. Also called: DYNC1H1-related condition; DYNC1H1-related disorders. Identifiers: MedGen CN381529.
Autosomal dominant cerebellar ataxia. Also called: Spinocerebellar Ataxia, Dominant. Identifiers: Orphanet 99, MedGen C4087347, MONDO:0020380.
Inborn genetic diseases. Identifiers: MedGen C0950123, MeSH D030342.
Cortical dysplasia, complex, with other brain malformations 13. Also called: Intellectual disability, autosomal dominant 13. Identifiers: MedGen C3281202, MONDO:0013805, OMIM 614563.
Charcot-Marie-Tooth disease axonal type 2O. Also called: Charcot-Marie-Tooth disease, axonal, type 20; CHARCOT-MARIE-TOOTH NEUROPATHY, AXONAL, TYPE 2O; CHARCOT-MARIE-TOOTH DISEASE, AXONAL, AUTOSOMAL DOMINANT, TYPE 2O; Charcot-Marie-Tooth Neuropathy Type 2O. Identifiers: Orphanet 284232, MedGen C3280220, MONDO:0013644, OMIM 614228.
Charcot-Marie-Tooth disease. Also called: Charcot-Marie-Tooth Hereditary Neuropathy; Charcot-Marie-Tooth Neuropathy. Identifiers: Orphanet 166, MedGen C0007959, MONDO:0015626.

Allele frequency attached by ClinVar (database versions not stated): TOPMed 0.00020 and 0.00022; ESP Exome Variant Server 0.00031; ExAC 0.00032; gnomAD 0.00032 and 0.00040; gnomAD exomes 0.00035.
gnomAD v4.1: 356 of 1,614,040 alleles (0.022%); highest among the groups gnomAD compares: Middle Eastern, 0.25%; 1 homozygote.

Submissions (13):

CeGaT Center for Human Genetics Tuebingen
Classification: Likely benign. Last evaluated: 2026-04-01. Review status: criteria provided, single submitter. Criteria: CeGaT Center For Human Genetics Tuebingen Variant Classification Criteria Version 2. Collection method: clinical testing. Allele origin: germline. Affected: yes. Observed: 4 variant alleles.
Comment: DYNC1H1: PP2, BS1

Labcorp Genetics (formerly Invitae), Labcorp
Classification: Benign for Charcot-Marie-Tooth disease axonal type 2O. Last evaluated: 2026-01-14. Review status: criteria provided, single submitter. Criteria: Invitae Variant Classification Sherloc (09022015). Collection method: clinical testing. Allele origin: germline.

PreventionGenetics, part of Exact Sciences
Classification: Likely benign for DYNC1H1-related condition. Last evaluated: 2025-07-29. Review status: criteria provided, single submitter. Criteria: ACMG Guidelines, 2015. Collection method: clinical testing. Allele origin: germline.
Comment: This variant is classified as likely benign based on ACMG/AMP sequence variant interpretation guidelines (Richards et al. 2015 PMID: 25741868, with internal and published modifications).

Blueprint Genetics
Classification: Likely benign. Last evaluated: 2024-11-11. Review status: criteria provided, single submitter. Criteria: ACMG Guidelines, 2015. Collection method: clinical testing. Allele origin: germline.

GeneDx
Classification: Benign. Last evaluated: 2019-05-21. Review status: criteria provided, single submitter. Criteria: GeneDx Variant Classification Process June 2021. Collection method: clinical testing. Allele origin: germline. Affected: yes.
Comment: This variant is associated with the following publications: (PMID: 26378787, 24136616)

Ambry Genetics
Classification: Benign for Inborn genetic diseases. Last evaluated: 2019-04-05. Review status: criteria provided, single submitter. Criteria: Ambry Variant Classification Scheme 2023. Collection method: clinical testing. Allele origin: germline.

Athena Diagnostics
Classification: Benign. Last evaluated: 2018-03-05. Review status: criteria provided, single submitter. Criteria: Athena Diagnostics Criteria. Collection method: clinical testing. Allele origin: germline.

Illumina Laboratory Services, Illumina
Classification: Likely benign for Spinocerebellar Ataxia, Dominant. Last evaluated: 2018-01-13. Review status: criteria provided, single submitter. Criteria: ICSL Variant Classification Criteria 13 December 2019. Collection method: clinical testing. Allele origin: germline.
Comment: This variant was observed in the ICSL laboratory as part of a predisposition screen in an ostensibly healthy population. It had not been previously curated by ICSL or reported in the Human Gene Mutation Database (HGMD: prior to June 1st, 2018), and was therefore a candidate for classification through an automated scoring system. Utilizing variant allele frequency, disease prevalence and penetrance estimates, and inheritance mode, an automated score was calculated to assess if this variant is too frequent to cause the disease. Based on the score and internal cut-off values, a variant classified as likely benign is not then subjected to further curation. The score for this variant resulted in a classification of likely benign for this disease.

Illumina Laboratory Services, Illumina
Classification: Uncertain significance for Charcot-Marie-Tooth disease axonal type 2O. Last evaluated: 2018-01-13. Review status: criteria provided, single submitter. Criteria: ICSL Variant Classification Criteria 13 December 2019. Collection method: clinical testing. Allele origin: germline.

Eurofins Ntd Llc (ga)
Classification: Likely benign. Last evaluated: 2015-11-24. Review status: criteria provided, single submitter. Criteria: EGL Classification Definitions 2015. Collection method: clinical testing. Allele origin: germline. Observed: 1 variant allele, 1 heterozygote.

Genetic Services Laboratory, University of Chicago
Classification: Likely benign. Last evaluated: 2015-09-21. Review status: criteria provided, single submitter. Criteria: ACMG Guidelines, 2015. Collection method: clinical testing. Allele origin: germline. Affected: no.

Molecular Genetics Laboratory, London Health Sciences Centre
Classification: Likely benign for Charcot-Marie-Tooth disease. Review status: criteria provided, single submitter. Criteria: ACMG Guidelines, 2015. Collection method: clinical testing. Allele origin: germline. Affected: yes.

Service de Génétique Moléculaire, Hôpital Robert Debré
Classification: Likely benign for Cortical dysplasia, complex, with other brain malformations 13. Review status: no assertion criteria provided. Collection method: clinical testing. Allele origin: unknown. Affected: yes. Not counted in ClinVar's aggregate classification.

Literature cited by the submitters: PubMed 24136616 (cited by Ambry Genetics); PubMed 26378787 (cited by Ambry Genetics).

NM_001376.5(DYNC1H1):c.7203A>C (p.Lys2401Asn)

Gene: DYNC1H1 (dynein cytoplasmic 1 heavy chain 1; plus strand). Cytogenetic location: 14q32.31.
Variant type: single nucleotide variant.
Coding change: c.7203A>C on transcript NM_001376.5 (MANE Select); coding-DNA position 7203, A replaced by C.
Protein change: p.Lys2401Asn; replaces lysine 2401 with asparagine.
Molecular consequence: missense variant.
Genome position (GRCh38, 1-based): chr14:102,015,293, A>C. VCF-style: chr14-102015293-A-C. GRCh37 (hg19) VCF-style: chr14-102481630-A-C.
Other names: short protein forms K2401N.
Identifiers: ClinVar variation 210875 (VCV000210875.57), dbSNP rs150888094, ClinGen allele CA207947.